The following is an entry in ClinVar:

ClinVar aggregate classification (germline): Uncertain significance. Review status: criteria provided, multiple submitters, no conflicts (2 of 4 stars). 6 submissions from 6 submitters: Uncertain significance (5). 1 of the submissions does not count toward it. Last evaluated 2025-12-08.

Conditions:
Inborn genetic diseases. Identifiers: MedGen C0950123, MeSH D030342.
Hereditary insensitivity to pain with anhidrosis (CIPA). Also called: hereditary sensory and autonomic neuropathy type 4; NEUROPATHY, CONGENITAL SENSORY, WITH ANHIDROSIS; INSENSITIVITY TO PAIN, CONGENITAL, WITH ANHIDROSIS; HSAN Type IV; NTRK1 Congenital Insensitivity to Pain with Anhidrosis; FAMILIAL DYSAUTONOMIA, TYPE II. Identifiers: Orphanet 642, MedGen C0020074, MONDO:0009746, OMIM 256800.

Allele frequency attached by ClinVar (database versions not stated): gnomAD 0.00003; gnomAD exomes 0.00004; ExAC 0.00006; TOPMed 0.00006.

Submissions (6):

Labcorp Genetics (formerly Invitae), Labcorp
Classification: Uncertain significance for Hereditary insensitivity to pain with anhidrosis. Last evaluated: 2025-12-08. Review status: criteria provided, single submitter. Criteria: Invitae Variant Classification Sherloc (09022015). Collection method: clinical testing. Allele origin: germline.
Comment: This sequence change replaces arginine, which is basic and polar, with tryptophan, which is neutral and slightly polar, at codon 742 of the NTRK1 protein (p.Arg742Trp). The frequency data for this variant in the population databases is considered unreliable, as metrics indicate poor data quality at this position in the gnomAD database. This variant has not been reported in the literature in individuals affected with NTRK1-related conditions. ClinVar contains an entry for this variant (Variation ID: 450841). Invitae Evidence Modeling of protein sequence and biophysical properties (such as structural, functional, and spatial information, amino acid conservation, physicochemical variation, residue mobility, and thermodynamic stability) has been performed for this missense variant. However, the output from this modeling did not meet the statistical confidence thresholds required to predict the impact of this variant on NTRK1 protein function. In summary, the available evidence is currently insufficient to determine the role of this variant in disease. Therefore, it has been classified as a Variant of Uncertain Significance.

Ambry Genetics
Classification: Uncertain significance for Inborn genetic diseases. Last evaluated: 2025-10-18. Review status: criteria provided, single submitter. Criteria: Ambry Variant Classification Scheme 2023. Collection method: clinical testing. Allele origin: germline.

Genome-Nilou Lab
Classification: Uncertain significance for Hereditary insensitivity to pain with anhidrosis. Last evaluated: 2023-04-11. Review status: criteria provided, single submitter. Criteria: ACMG Guidelines, 2015. Collection method: clinical testing. Allele origin: germline. Affected: no.

CeGaT Center for Human Genetics Tuebingen
Classification: Uncertain significance. Last evaluated: 2023-03-01. Review status: criteria provided, single submitter. Criteria: CeGaT Center For Human Genetics Tuebingen Variant Classification Criteria Version 2. Collection method: clinical testing. Allele origin: germline. Affected: yes. Observed: 1 variant allele.
Comment: NTRK1: PM2, PP3

GeneDx
Classification: Uncertain significance. Last evaluated: 2017-07-25. Review status: criteria provided, single submitter. Criteria: GeneDx Variant Classification (06012015). Collection method: clinical testing. Allele origin: germline. Affected: yes.
Comment: A variant of uncertain significance has been identified in the NTRK1 gene. The R742W variant has not beenpublished as a pathogenic variant, nor has it been reported as a benign variant to our knowledge. The R742W variantis not observed at a significant frequency in large population cohorts (Lek et al., 2016; 1000 Genomes Consortium etal., 2015; Exome Variant Server). The R742W variant is a non-conservative amino acid substitution, which is likelyto impact secondary protein structure as these residues differ in polarity, charge, size and/or other properties. Thissubstitution occurs at a conserved position predicted to be within the protein kinase domain. In silico analysispredicts this variant is probably damaging to the protein structure/function. Therefore, based on the currently availableinformation, it is unclear whether this variant is a pathogenic variant or a rare benign variant.

Natera, Inc.
Classification: Uncertain significance for Hereditary insensitivity to pain with anhidrosis. Last evaluated: 2020-01-13. Review status: no assertion criteria provided. Collection method: clinical testing. Allele origin: germline. Not counted in ClinVar's aggregate classification.

NM_002529.4(NTRK1):c.2242C>T (p.Arg748Trp)

Gene: NTRK1 (neurotrophic receptor tyrosine kinase 1; plus strand). Cytogenetic location: 1q23.1.
Variant type: single nucleotide variant.
Coding change: c.2242C>T on transcript NM_002529.4 (MANE Select); coding-DNA position 2242, C replaced by T.
Protein change: p.Arg748Trp; replaces arginine 748 with tryptophan.
Molecular consequence: missense variant.
Genome position (GRCh38, 1-based): chr1:156,881,493, C>T. VCF-style: chr1-156881493-C-T. GRCh37 (hg19) VCF-style: chr1-156851285-C-T.
Other names: c.2134C>T, p.Arg712Trp (NM_001007792.1); c.2224C>T, p.Arg742Trp (NM_001012331.2); short protein forms R712W, R742W, R748W.
Identifiers: ClinVar variation 450841 (VCV000450841.39), dbSNP rs778520978, ClinGen allele CA1169612.